The following is an entry in ClinVar:

NM_005560.6(LAMA5):c.759C>T (p.Phe253=)

Gene: LAMA5 (laminin subunit alpha 5; minus strand). Cytogenetic location: 20q13.33.
Variant type: single nucleotide variant.
Coding change: c.759C>T on transcript NM_005560.6 (MANE Select); coding-DNA position 759, C replaced by T.
Protein change: p.Phe253=; no amino-acid change (phenylalanine 253 retained).
Molecular consequence: synonymous variant.
Genome position (GRCh38, 1-based): chr20:62,352,008, G>A on the plus strand (C>T on the coding strand, the complement: LAMA5 is on the minus strand). VCF-style: chr20-62352008-G-A. GRCh37 (hg19) VCF-style: chr20-60927064-G-A.
Other names: c.759C>T (NM_005560.4).
Identifiers: ClinVar variation 2859097 (VCV002859097.5), dbSNP rs532710301, ClinGen allele CA9944298.

ClinVar aggregate classification (germline): Benign. Review status: criteria provided, single submitter (1 of 4 stars). 2 submissions from 2 submitters: Benign (1). 1 of the submissions does not count toward it. Last evaluated 2025-06-24.

Conditions:
LAMA5-related disorder. Also called: LAMA5-Related Disorders; LAMA5-related condition.

Allele frequency attached by ClinVar (database versions not stated): gnomAD exomes 0.00035; 1000 Genomes Project 30x 0.00047; gnomAD 0.00010; 1000 Genomes Project 0.00060; TOPMed 0.00002; ExAC 0.00089.
gnomAD v4.1: 521 of 1,612,732 alleles (0.032%); highest among the groups gnomAD compares: South Asian, 0.54%; 2 homozygotes.

Submissions (2):

Labcorp Genetics (formerly Invitae), Labcorp
Classification: Benign. Last evaluated: 2025-06-24. Review status: criteria provided, single submitter. Criteria: Invitae Variant Classification Sherloc (09022015). Collection method: clinical testing. Allele origin: germline.

PreventionGenetics, part of Exact Sciences
Classification: Likely benign for LAMA5-related condition. Last evaluated: 2019-04-19. Review status: no assertion criteria provided. Collection method: clinical testing. Allele origin: germline. Not counted in ClinVar's aggregate classification.
Comment: This variant is classified as likely benign based on ACMG/AMP sequence variant interpretation guidelines (Richards et al. 2015 PMID: 25741868, with internal and published modifications).